The following is an entry in ClinVar:

ClinVar aggregate classification (germline): Uncertain significance. Review status: criteria provided, multiple submitters, no conflicts (2 of 4 stars). 7 submissions from 5 submitters: Uncertain significance (7). Last evaluated 2025-10-26.

Conditions:
Hereditary spastic paraplegia 11. Also called: Spastic paraplegia, mental retardation and thin corpus callosum; SPASTIC PARAPLEGIA, AUTOSOMAL RECESSIVE, COMPLICATED, WITH THIN CORPUS CALLOSUM; SPASTIC PARAPLEGIA, AUTOSOMAL RECESSIVE, WITH MENTAL IMPAIRMENT AND THIN CORPUS CALLOSUM; Spastic Paraplegia 11; Nakamura Osame syndrome; Autosomal recessive hereditary spastic paraplegia, mental impairment, and thin corpus callosum. Identifiers: Orphanet 2822, MedGen C1858479, MONDO:0011445, OMIM 604360.
Charcot-Marie-Tooth disease axonal type 2X. Also called: CHARCOT-MARIE-TOOTH DISEASE, AXONAL, AUTOSOMAL RECESSIVE, TYPE 2X; CHARCOT-MARIE-TOOTH NEUROPATHY, TYPE 2X. Identifiers: Orphanet 466775, MedGen C5569024, MONDO:0014726, OMIM 616668.
Amyotrophic lateral sclerosis type 5 (ALS5). Also called: AMYOTROPHIC LATERAL SCLEROSIS 5, JUVENILE. Identifiers: Orphanet 300605, MedGen C1865864, MONDO:0011196, OMIM 602099.
Inborn genetic diseases. Identifiers: MedGen C0950123, MeSH D030342.

Allele frequency attached by ClinVar (database versions not stated): gnomAD 0.00003; TOPMed 0.00003; gnomAD exomes 0.00004 and 0.00007; ExAC 0.00007.
gnomAD v4.1: 99 of 1,614,076 alleles (0.0061%); highest among the groups gnomAD compares: Admixed American, 0.01%; no homozygotes.

Submissions (7):

Labcorp Genetics (formerly Invitae), Labcorp
Classification: Uncertain significance for Hereditary spastic paraplegia 11. Last evaluated: 2025-10-26. Review status: criteria provided, single submitter. Criteria: Invitae Variant Classification Sherloc (09022015). Collection method: clinical testing. Allele origin: germline.
Comment: This sequence change replaces isoleucine, which is neutral and non-polar, with valine, which is neutral and non-polar, at codon 212 of the SPG11 protein (p.Ile212Val). This variant is present in population databases (rs758638438, gnomAD 0.02%). This variant has not been reported in the literature in individuals affected with SPG11-related conditions. ClinVar contains an entry for this variant (Variation ID: 1046316). Invitae Evidence Modeling of protein sequence and biophysical properties (such as structural, functional, and spatial information, amino acid conservation, physicochemical variation, residue mobility, and thermodynamic stability) indicates that this missense variant is not expected to disrupt SPG11 protein function with a negative predictive value of 80%. In summary, the available evidence is currently insufficient to determine the role of this variant in disease. Therefore, it has been classified as a Variant of Uncertain Significance.

Ambry Genetics
Classification: Uncertain significance for Inborn genetic diseases. Last evaluated: 2024-07-30. Review status: criteria provided, single submitter. Criteria: Ambry Variant Classification Scheme 2023. Collection method: clinical testing. Allele origin: germline.

Women's Health and Genetics/Laboratory Corporation of America, LabCorp
Classification: Uncertain significance. Last evaluated: 2024-04-05. Review status: criteria provided, single submitter. Criteria: LabCorp Variant Classification Summary - May 2015. Collection method: clinical testing. Allele origin: germline.
Comment: Variant summary: SPG11 c.634A>G (p.Ile212Val) results in a conservative amino acid change in the encoded protein sequence. Five of five in-silico tools predict a benign effect of the variant on protein function. The variant allele was found at a frequency of 4.4e-05 in 251452 control chromosomes. This frequency is not significantly higher than estimated for a pathogenic variant in SPG11 causing Hereditary Spastic Paraplegia, Type 11 (4.4e-05 vs 0.0011), allowing no conclusion about variant significance. To our knowledge, no occurrence of c.634A>G in individuals affected with Hereditary Spastic Paraplegia, Type 11 and no experimental evidence demonstrating its impact on protein function have been reported. ClinVar contains an entry for this variant (Variation ID: 1046316). Based on the evidence outlined above, the variant was classified as uncertain significance.

Mayo Clinic Laboratories, Mayo Clinic
Classification: Uncertain significance. Last evaluated: 2019-09-08. Review status: criteria provided, single submitter. Criteria: ACMG Guidelines, 2015. Collection method: clinical testing. Allele origin: germline. Observed: 1 variant allele.

Genome-Nilou Lab
Classification: Uncertain significance for Amyotrophic lateral sclerosis type 5. Review status: criteria provided, single submitter. Criteria: ACMG Guidelines, 2015. Collection method: clinical testing. Allele origin: germline.

Genome-Nilou Lab
Classification: Uncertain significance for Charcot-Marie-Tooth disease axonal type 2X. Review status: criteria provided, single submitter. Criteria: ACMG Guidelines, 2015. Collection method: clinical testing. Allele origin: germline.

Genome-Nilou Lab
Classification: Uncertain significance for Hereditary spastic paraplegia 11. Review status: criteria provided, single submitter. Criteria: ACMG Guidelines, 2015. Collection method: clinical testing. Allele origin: germline.

NM_025137.4(SPG11):c.634A>G (p.Ile212Val)

Gene: SPG11 (SPG11 vesicle trafficking associated, spatacsin; minus strand). Cytogenetic location: 15q21.1.
Variant type: single nucleotide variant.
Coding change: c.634A>G on transcript NM_025137.4 (MANE Select); coding-DNA position 634, A replaced by G.
Protein change: p.Ile212Val; replaces isoleucine 212 with valine.
Molecular consequence: missense variant.
Genome position (GRCh38, 1-based): chr15:44,659,112, T>C on the plus strand (A>G on the coding strand, the complement: SPG11 is on the minus strand). VCF-style: chr15-44659112-T-C. GRCh37 (hg19) VCF-style: chr15-44951310-T-C.
Other names: c.634A>G, p.Ile212Val (NM_001160227.2); short protein forms I212V.
Identifiers: ClinVar variation 1046316 (VCV001046316.16), dbSNP rs758638438, ClinGen allele CA7535780.